The following is an entry in ClinVar:

NM_003476.5(CSRP3):c.580G>C (p.Glu194Gln)

Gene: CSRP3 (cysteine and glycine rich protein 3; minus strand). Cytogenetic location: 11p15.1.
Variant type: single nucleotide variant.
Coding change: c.580G>C on transcript NM_003476.5 (MANE Select); coding-DNA position 580, G replaced by C.
Protein change: p.Glu194Gln; replaces glutamic acid 194 with glutamine.
Molecular consequence: missense variant.
Genome position (GRCh38, 1-based): chr11:19,182,675, C>G on the plus strand (G>C on the coding strand, the complement: CSRP3 is on the minus strand). VCF-style: chr11-19182675-C-G. GRCh37 (hg19) VCF-style: chr11-19204222-C-G.
Other names: c.580G>C, p.Glu194Gln (NM_001127656.1); c.411G>C, p.Lys137Asn (NM_001369404.1); short protein forms E194Q, K137N.
Identifiers: ClinVar variation 1749837 (VCV001749837.5), dbSNP rs571722496, ClinGen allele CA218631995.

ClinVar aggregate classification (germline): Uncertain significance. Review status: criteria provided, multiple submitters, no conflicts (2 of 4 stars). 2 submissions from 2 submitters: Uncertain significance (2). Last evaluated 2023-03-27.

Conditions:
Hypertrophic cardiomyopathy 12. Identifiers: MedGen C2677491, MONDO:0012804, OMIM 612124.
Dilated cardiomyopathy 1M (CMD1M). Identifiers: Orphanet 154, MedGen C1843808, MONDO:0011840, OMIM 607482.
Cardiovascular phenotype. Identifiers: MedGen CN230736.

Submissions (2):

Labcorp Genetics (formerly Invitae), Labcorp
Classification: Uncertain significance for Hypertrophic cardiomyopathy 12; Dilated cardiomyopathy 1M. Last evaluated: 2023-03-27. Review status: criteria provided, single submitter. Criteria: Invitae Variant Classification Sherloc (09022015). Collection method: clinical testing. Allele origin: germline.
Comment: In summary, the available evidence is currently insufficient to determine the role of this variant in disease. Therefore, it has been classified as a Variant of Uncertain Significance. An algorithm developed to predict the effect of missense changes on protein structure and function (PolyPhen-2) suggests that this variant is likely to be tolerated. ClinVar contains an entry for this variant (Variation ID: 1749837). This variant has not been reported in the literature in individuals affected with CSRP3-related conditions. This variant is not present in population databases (gnomAD no frequency). This sequence change replaces glutamic acid, which is acidic and polar, with glutamine, which is neutral and polar, at codon 194 of the CSRP3 protein (p.Glu194Gln).

Ambry Genetics
Classification: Uncertain significance for Cardiovascular phenotype. Last evaluated: 2020-09-22. Review status: criteria provided, single submitter. Criteria: Ambry Variant Classification Scheme 2023. Collection method: clinical testing. Allele origin: germline.
Comment: The p.E194Q variant (also known as c.580G>C), located in coding exon 5 of the CSRP3 gene, results from a G to C substitution at nucleotide position 580. The glutamic acid at codon 194 is replaced by glutamine, an amino acid with highly similar properties. This amino acid position is well conserved in available vertebrate species. In addition, this alteration is predicted to be tolerated by in silico analysis. Since supporting evidence is limited at this time, the clinical significance of this alteration remains unclear.